The following is an entry in ClinVar:

NM_000350.3(ABCA4):c.4918del (p.Arg1640fs)

Genes: ABCA4 (ATP binding cassette subfamily A member 4; minus strand), LOC126805793 (CDK7 strongly-dependent group 2 enhancer GRCh37_chr1:94486302-94487501; plus strand). Cytogenetic location: 1p22.1.
Variant type: Deletion.
Coding change: c.4918del on transcript NM_000350.3 (MANE Select); coding-DNA position 4918, one base deleted (C; older notation c.4918delC).
Protein change: p.Arg1640fs; shifts the reading frame from arginine 1640.
Molecular consequence: frameshift variant.
Genome position (GRCh38, 1-based): chr1:94,021,340, G deleted on the plus strand (C on the coding strand, the reverse complement: ABCA4 is on the minus strand). VCF-style (leftmost placement, unchanged base first): chr1-94021339-CG-C. GRCh37 (hg19) VCF-style: chr1-94486895-CG-C.
Other names: c.4696delC, p.Arg1566Glyfs (NM_001425324.1); short protein forms R1640fs.
Identifiers: ClinVar variation 2832274 (VCV002832274.3), dbSNP rs2523693066, ClinGen allele CA2739272644.

ClinVar aggregate classification (germline): Pathogenic (1 of 4 stars; one submission).

Submission:

Labcorp Genetics (formerly Invitae), Labcorp
Classification: Pathogenic. Last evaluated: 2023-03-07. Review status: criteria provided, single submitter. Criteria: Invitae Variant Classification Sherloc (09022015). Collection method: clinical testing. Allele origin: germline.
Comment: This sequence change creates a premature translational stop signal (p.Arg1640Glyfs*22) in the ABCA4 gene. It is expected to result in an absent or disrupted protein product. Loss-of-function variants in ABCA4 are known to be pathogenic (PMID: 10958761, 24938718, 25312043, 26780318). This variant is not present in population databases (gnomAD no frequency). This variant has not been reported in the literature in individuals affected with ABCA4-related conditions. Algorithms developed to predict the effect of sequence changes on RNA splicing suggest that this variant may disrupt the consensus splice site. For these reasons, this variant has been classified as Pathogenic.

Literature cited by the submitters: PubMed 10958761; PubMed 24938718; PubMed 25312043; PubMed 26780318.